The following is an entry in ClinVar:

NM_001356.5(DDX3X):c.428G>A (p.Ser143Asn)

Gene: DDX3X (DEAD-box helicase 3 X-linked; plus strand). Cytogenetic location: Xp11.4.
Variant type: single nucleotide variant.
Coding change: c.428G>A on transcript NM_001356.5 (MANE Select); coding-DNA position 428, G replaced by A.
Protein change: p.Ser143Asn; replaces serine 143 with asparagine.
Molecular consequence: missense variant. On other transcripts: 5 prime UTR variant (1), non-coding transcript variant (1).
Genome position (GRCh38, 1-based): chrX:41,342,638, G>A. VCF-style: chrX-41342638-G-A. GRCh37 (hg19) VCF-style: chrX-41201891-G-A.
Other names: c.428G>A, p.Ser143Asn (NM_001193416.3); c.380G>A, p.Ser127Asn (NM_001193417.3); c.-131G>A (NM_001363819.1); short protein forms S143N, S127N.
Identifiers: ClinVar variation 2862540 (VCV002862540.3), dbSNP rs2519509052, ClinGen allele CA412766644.

ClinVar aggregate classification (germline): Uncertain significance (1 of 4 stars; one submission).

Submission:

Labcorp Genetics (formerly Invitae), Labcorp
Classification: Uncertain significance. Last evaluated: 2025-12-21. Review status: criteria provided, single submitter. Criteria: Invitae Variant Classification Sherloc (09022015). Collection method: clinical testing. Allele origin: germline.
Comment: This sequence change replaces serine, which is neutral and polar, with asparagine, which is neutral and polar, at codon 143 of the DDX3X protein (p.Ser143Asn). This variant is not present in population databases (gnomAD no frequency). This variant has not been reported in the literature in individuals affected with DDX3X-related conditions. ClinVar contains an entry for this variant (Variation ID: 2862540). Experimental studies and prediction algorithms are not available or were not evaluated, and the functional significance of this variant is currently unknown. In summary, the available evidence is currently insufficient to determine the role of this variant in disease. Therefore, it has been classified as a Variant of Uncertain Significance.